The following is an entry in ClinVar:

NM_004252.5(NHERF1):c.102G>C (p.Lys34Asn)

Genes: NHERF1 (NHERF family PDZ scaffold protein 1; plus strand), SLC9A3R1-AS1 (SLC9A3R1 antisense RNA 1; minus strand). Cytogenetic location: 17q25.1.
Variant type: single nucleotide variant.
Coding change: c.102G>C on transcript NM_004252.5 (MANE Select); coding-DNA position 102, G replaced by C.
Protein change: p.Lys34Asn; replaces lysine 34 with asparagine.
Molecular consequence: missense variant.
Genome position (GRCh38, 1-based): chr17:74,748,948, G>C. VCF-style: chr17-74748948-G-C. GRCh37 (hg19) VCF-style: chr17-72745087-G-C.
Other names: short protein forms K34N.
Identifiers: ClinVar variation 2908892 (VCV002908892.3), dbSNP rs780010556, ClinGen allele CA8750535.
Genomic context (GRCh38, chr17:74,748,948, plus strand): 5'-CTGCTGCCTGGAGAAGGGTCCGAACGGCTACGGCTTCCACCTGCACGGGGAGAAGGGCAA[G>C]TTGGGCCAGTACATCCGGCTGGTGGAGCCCGGCTCGCCGGCCGAGAAGGCGGGGCTGCTG-3'
Protein context (NP_004243.1, residues 24-44): YGFHLHGEKG[Lys34Asn]LGQYIRLVEP

ClinVar aggregate classification (germline): Uncertain significance (1 of 4 stars; one submission).

Allele frequency attached by ClinVar (database versions not stated): gnomAD 0.00001; TOPMed 0.00001; gnomAD exomes 0.00002; ExAC 0.00009.
gnomAD v4.1: 27 of 1,605,854 alleles (0.0017%); highest among the groups gnomAD compares: Non-Finnish European, 0.0021%; no homozygotes.

Submission:

Labcorp Genetics (formerly Invitae), Labcorp
Classification: Uncertain significance. Last evaluated: 2023-10-25. Review status: criteria provided, single submitter. Criteria: Invitae Variant Classification Sherloc (09022015). Collection method: clinical testing. Allele origin: germline.
Comment: This sequence change replaces lysine, which is basic and polar, with asparagine, which is neutral and polar, at codon 34 of the SLC9A3R1 protein (p.Lys34Asn). This variant is present in population databases (rs780010556, gnomAD 0.009%). This variant has not been reported in the literature in individuals affected with SLC9A3R1-related conditions. An algorithm developed to predict the effect of missense changes on protein structure and function (PolyPhen-2) suggests that this variant is likely to be disruptive. In summary, the available evidence is currently insufficient to determine the role of this variant in disease. Therefore, it has been classified as a Variant of Uncertain Significance.